The following is an entry in ClinVar:

ClinVar aggregate classification (germline): Pathogenic/Likely pathogenic. Review status: criteria provided, multiple submitters, no conflicts (2 of 4 stars). 5 submissions from 5 submitters: Pathogenic (4); Likely pathogenic (1). Last evaluated 2026-01-09.

Conditions:
Spastic paraplegia. Identifiers: MedGen C0037772, HP:0001258.
Hereditary spastic paraplegia 5A (SPG5A). Also called: SPASTIC PARAPLEGIA 5A, AUTOSOMAL RECESSIVE. Identifiers: Orphanet 100986, MedGen C1849115, MONDO:0010047, OMIM 270800.
Congenital bile acid synthesis defect 3. Identifiers: Orphanet 79302, MedGen C3151147, MONDO:0013439, OMIM 613812.

Allele frequency attached by ClinVar (database versions not stated): gnomAD exomes below 0.00001; ExAC 0.00001; TOPMed 0.00002.
gnomAD v4.1: 2 of 1,613,668 alleles (0.00012%); highest among the groups gnomAD compares: East Asian, 0.0045%; no homozygotes.

Submissions (5):

Labcorp Genetics (formerly Invitae), Labcorp
Classification: Pathogenic for Spastic paraplegia. Last evaluated: 2026-01-09. Review status: criteria provided, single submitter. Criteria: Invitae Variant Classification Sherloc (09022015). Collection method: clinical testing. Allele origin: germline.
Comment: This sequence change affects a donor splice site in intron 2 of the CYP7B1 gene. It is expected to disrupt RNA splicing. Variants that disrupt the donor or acceptor splice site typically lead to a loss of protein function (PMID: 16199547), and loss-of-function variants in CYP7B1 are known to be pathogenic (PMID: 9802883, 19363635, 19439420, 21541746, 21567895, 28039895). This variant is present in population databases (rs751713917, gnomAD 0.006%). Disruption of this splice site has been observed in individuals with hereditary spastic paraplegia (PMID: 21452256, 29980238, 31227335). ClinVar contains an entry for this variant (Variation ID: 225337). Algorithms developed to predict the effect of sequence changes on RNA splicing suggest that this variant may disrupt the consensus splice site. For these reasons, this variant has been classified as Pathogenic.

Fulgent Genetics
Classification: Likely pathogenic for Hereditary spastic paraplegia 5A; Congenital bile acid synthesis defect 3. Last evaluated: 2024-05-20. Review status: criteria provided, single submitter. Criteria: ACMG Guidelines, 2015. Collection method: clinical testing. Allele origin: germline.

Genetics and Genomic Medicine Centre, NeuroGen Healthcare, NeuroGen Healthcare
Classification: Pathogenic for Hereditary spastic paraplegia 5A. Last evaluated: 2021-09-23. Review status: criteria provided, single submitter. Criteria: Submitter's publication. Collection method: clinical testing. Allele origin: unknown. Affected: no.

Soonchunhyang University Bucheon Hospital, Soonchunhyang University Medical Center
Classification: Pathogenic for Hereditary spastic paraplegia 5A. Last evaluated: 2016-03-18. Review status: criteria provided, single submitter. Criteria: ACMG Guidelines, 2015. Collection method: reference population. Allele origin: germline. Observed: 1 variant allele.

Juno Genomics, Hangzhou Juno Genomics, Inc
Classification: Pathogenic for Hereditary spastic paraplegia 5A. Review status: criteria provided, single submitter. Criteria: ACMG Guidelines, 2015. Collection method: clinical testing. Allele origin: germline. Affected: yes.
Comment: Absent from controls (or at extremely low frequency if recessive) in Genome Aggregation Database, Exome Sequencing Project, 1000 Genomes Project, or Exome Aggregation Consortium.;Null variant in a gene where loss of function (LOF) is a known mechanism of disease.;For recessive disorders, detected in trans with a pathogenic variant.;Patient's phenotype or family history is highly specific for a disease with a single genetic etiology.

Literature cited by the submitters: PubMed 16199547 (cited by Labcorp Genetics (formerly Invitae), Labcorp); PubMed 9802883 (cited by Labcorp Genetics (formerly Invitae), Labcorp); PubMed 19363635 (cited by Labcorp Genetics (formerly Invitae), Labcorp); PubMed 19439420 (cited by Labcorp Genetics (formerly Invitae), Labcorp); PubMed 21541746 (cited by Labcorp Genetics (formerly Invitae), Labcorp); PubMed 21567895 (cited by Labcorp Genetics (formerly Invitae), Labcorp); PubMed 28039895 (cited by Labcorp Genetics (formerly Invitae), Labcorp); PubMed 21452256 (cited by Labcorp Genetics (formerly Invitae), Labcorp and Soonchunhyang University Bucheon Hospital, Soonchunhyang University Medical Center); PubMed 29980238 (cited by Labcorp Genetics (formerly Invitae), Labcorp); PubMed 31227335 (cited by Labcorp Genetics (formerly Invitae), Labcorp).

NM_004820.5(CYP7B1):c.259+2T>C

Gene: CYP7B1 (cytochrome P450 family 7 subfamily B member 1; minus strand). Cytogenetic location: 8q12.3.
Variant type: single nucleotide variant.
Coding change: c.259+2T>C on transcript NM_004820.5 (MANE Select); the canonical splice donor site of the intron after coding-DNA position 259, T replaced by C.
Molecular consequence: splice donor variant.
Genome position (GRCh38, 1-based): chr8:64,624,401, A>G on the plus strand (T>C on the coding strand, the complement: CYP7B1 is on the minus strand). VCF-style: chr8-64624401-A-G. GRCh37 (hg19) VCF-style: chr8-65536958-A-G.
Other names: c.259+2T>C (NM_001324112.2).
Identifiers: ClinVar variation 225337 (VCV000225337.11), dbSNP rs751713917, ClinGen allele CA4764264.